The following is an entry in ClinVar:

NM_025099.6(CTC1):c.843T>C (p.Tyr281=)

Gene: CTC1 (CST telomere replication complex component 1; minus strand). Cytogenetic location: 17p13.1.
Variant type: single nucleotide variant.
Coding change: c.843T>C on transcript NM_025099.6 (MANE Select); coding-DNA position 843, T replaced by C.
Protein change: p.Tyr281=; no amino-acid change (tyrosine 281 retained).
Molecular consequence: synonymous variant. On other transcripts: non-coding transcript variant (1).
Genome position (GRCh38, 1-based): chr17:8,236,292, A>G on the plus strand (T>C on the coding strand, the complement: CTC1 is on the minus strand). VCF-style: chr17-8236292-A-G. GRCh37 (hg19) VCF-style: chr17-8139610-A-G.
Identifiers: ClinVar variation 529196 (VCV000529196.37), dbSNP rs367935180, ClinGen allele CA8372536.

ClinVar aggregate classification (germline): Likely benign. Review status: criteria provided, multiple submitters, no conflicts (2 of 4 stars). 4 submissions from 4 submitters: Likely benign (4). Last evaluated 2026-01-11.

Conditions:
Dyskeratosis congenita. Identifiers: Orphanet 1775, MedGen C0265965, MONDO:0015780.

Allele frequency attached by ClinVar (database versions not stated): gnomAD 0.00006 and 0.00007; TOPMed 0.00006; gnomAD exomes 0.00007 and 0.00011; ESP Exome Variant Server 0.00008; ExAC 0.00012.
gnomAD v4.1: 107 of 1,613,154 alleles (0.0066%); highest among the groups gnomAD compares: Middle Eastern, 0.083%; no homozygotes.

Submissions (4):

Labcorp Genetics (formerly Invitae), Labcorp
Classification: Likely benign for Dyskeratosis congenita. Last evaluated: 2026-01-11. Review status: criteria provided, single submitter. Criteria: Invitae Variant Classification Sherloc (09022015). Collection method: clinical testing. Allele origin: germline.

Laboratory of Genetics, Children's Clinical University Hospital Latvia
Classification: Likely benign. Last evaluated: 2025-02-16. Review status: criteria provided, single submitter. Criteria: ACMG Guidelines, 2015. Collection method: clinical testing. Allele origin: germline. Affected: yes.

Blueprint Genetics
Classification: Likely benign. Last evaluated: 2024-10-18. Review status: criteria provided, single submitter. Criteria: ACMG Guidelines, 2015. Collection method: clinical testing. Allele origin: germline.

CeGaT Center for Human Genetics Tuebingen
Classification: Likely benign. Last evaluated: 2023-08-01. Review status: criteria provided, single submitter. Criteria: CeGaT Center For Human Genetics Tuebingen Variant Classification Criteria Version 2. Collection method: clinical testing. Allele origin: germline. Affected: yes. Observed: 1 variant allele.
Comment: CTC1: BP4, BP7